The following is an entry in ClinVar:

NM_000257.4(MYH7):c.4377G>T (p.Lys1459Asn)

Genes: MHRT (myosin heavy chain associated RNA transcript; plus strand), MYH7 (myosin heavy chain 7; minus strand). Cytogenetic location: 14q11.2.
Variant type: single nucleotide variant.
Coding change: c.4377G>T on transcript NM_000257.4 (MANE Select); coding-DNA position 4377, G replaced by T.
Protein change: p.Lys1459Asn; replaces lysine 1459 with asparagine.
Molecular consequence: missense variant. On other transcripts: non-coding transcript variant (1).
Genome position (GRCh38, 1-based): chr14:23,417,295, C>A on the plus strand (G>T on the coding strand, the complement: MYH7 is on the minus strand). VCF-style: chr14-23417295-C-A. GRCh37 (hg19) VCF-style: chr14-23886504-C-A.
Other names: NM_000257.3(MYH7):c.4377G>T; NM_000257.4(MYH7):c.4377G>T; short protein forms K1459N.
Identifiers: ClinVar variation 43012 (VCV000043012.57), dbSNP rs201307101, ClinGen allele CA014901.

ClinVar aggregate classification (germline): Likely benign. Review status: reviewed by expert panel (3 of 4 stars). 27 submissions from 25 submitters: Likely benign (1). 26 of the submissions do not count toward it. Last evaluated 2025-11-11.

Conditions:
Myosin storage myopathy (CMYO7A). Also called: Scapuloperoneal myopathy, MYH7-related; SCAPULOPERONEAL MUSCULAR DYSTROPHY; SCAPULOPERONEAL SYNDROME, MYOPATHIC TYPE; MYH7-related late-onset scapuloperoneal muscular dystrophy; Congenital myopathy 7A, myosin storage, autosomal dominant; MYOPATHY, HYALINE BODY, AUTOSOMAL DOMINANT. Identifiers: Orphanet 437572, Orphanet 636965, MedGen C1842160, MONDO:0008409, OMIM 608358.
Myopathy, myosin storage, autosomal recessive (CMYO7B). Also called: CONGENITAL MYOPATHY 7B, MYOSIN STORAGE, AUTOSOMAL RECESSIVE. Identifiers: Orphanet 636970, MedGen C1850709, MONDO:0009708, OMIM 255160.
Congenital myopathy with fiber type disproportion. Also called: Congenital fiber-type disproportion myopathy; Congenital fiber-type disproportion. Identifiers: Orphanet 2020, MedGen C0546264, MONDO:0009711. Inheritance: all.
Hypertrophic cardiomyopathy 1 (CMH1). Also called: Familial hypertrophic cardiomyopathy 1; MYH7-Related Familial Hypertrophic Cardiomyopathy. Identifiers: MedGen C3495498, MONDO:0008647, OMIM 192600.
Dilated cardiomyopathy 1S (CMD1S). Identifiers: Orphanet 154, Orphanet 54260, MedGen C1834481, MONDO:0013262, OMIM 613426.
MYH7-related skeletal myopathy. Also called: Myopathy, distal, 1; MYOPATHY, DISTAL, EARLY-ONSET, AUTOSOMAL DOMINANT; MYOPATHY, LATE DISTAL HEREDITARY; Laing distal myopathy; Laing early-onset distal myopathy. Identifiers: Orphanet 59135, MedGen C4552004, MONDO:0008050, OMIM 160500.
MYH7-related disorder. Also called: MYH7-related condition; MYH7-related disease; MYH7-related disorders.
Cardiovascular phenotype. Identifiers: MedGen CN230736.
Cardiomyopathy (CMYO). Also called: Cardiomyopathies. Identifiers: Orphanet 167848, MedGen C0878544, MONDO:0004994, HP:0001638. Inheritance: Various modes of inheritance.
Wolff-Parkinson-White pattern. Also called: WPW SYNDROME; Auriculoventricular accessory pathway syndrome; False bundle branch block syndrome; Anomalous ventricular excitation syndrome. Identifiers: MedGen C0043202, MONDO:0008685, OMIM 194200, HP:0001716.
Primary familial hypertrophic cardiomyopathy (HCM). Identifiers: Orphanet 99739, MedGen C0949658, MeSH D024741, MONDO:0024573. Inheritance: Various modes of inheritance.
Hypertrophic cardiomyopathy. Also called: HYPERTROPHIC MYOCARDIOPATHY. Identifiers: Orphanet 217569, MedGen C0007194, MeSH D002312, MONDO:0005045, HP:0001639.

Allele frequency attached by ClinVar (database versions not stated): ESP Exome Variant Server 0.00008; gnomAD 0.00023 and 0.00024; TOPMed 0.00024.
gnomAD v4.1: 739 of 1,614,024 alleles (0.046%); highest among the groups gnomAD compares: Non-Finnish European, 0.058%; no homozygotes.

Submissions 1 to 7 of 27:

ClinGen Cardiomyopathy Variant Curation Expert Panel
Classification: Likely benign for Hypertrophic cardiomyopathy. Last evaluated: 2025-11-11. Review status: reviewed by expert panel. Criteria: ClinGen CMP ACMG Specifications MYH7 V2.0.0. Collection method: curation. Allele origin: germline. Inheritance: Autosomal dominant inheritance.
Comment: The filtering allele frequency of the c.4377G>T (p.Lys1459Asn) variant in the MYH7 gene is 0.0375% (34/66566) of European chromosomes by the Exome Aggregation Consortium, which is a high enough frequency to be classified as likely benign based on thresholds defined by the ClinGen Inherited Cardiomyopathy Expert Panel (BS1; PMID:29300372). Additionally, while computational prediction tools and conservation analysis suggest that this variant may impact the protein (PP3), this pathogenic evidence code (PP3) was not considered to be in conflict with a likely benign conclusion given the accuracy of computation prediction tools. In summary, this variant meets criteria to be classified as likely benign for cardiomyopathy in an autosomal dominant manner. MYH7-specific ACMG/AMP criteria applied (PMID:29300372): PP3; BS1

PreventionGenetics, part of Exact Sciences
Classification: Uncertain significance for MYH7-related condition. Last evaluated: 2026-04-16. Review status: criteria provided, single submitter. Criteria: ACMG Guidelines, 2015. Collection method: clinical testing. Allele origin: germline. Not counted in ClinVar's aggregate classification.
Comment: The MYH7 c.4377G>T variant is predicted to result in the amino acid substitution p.Lys1459Asn. The MYH7 gene sequence variant c.4377G>T is predicted to result in the amino acid substitution p.Lys1459Asn. This variant has been reported in multiple individuals with MYH7-related disease (Van Driest et al. 2004. PubMed ID: 15358028; Amendola et al. 2015. PubMed ID: 25637381; Table S1 - Norrish et al. 2019. PubMed ID: 31006259; Table S1 - Homburger. 2016. PubMed ID: 27247418); however,  the reports had conflicting interpretations of its significance. In ClinVar, this variant has conflicting interpretations of likely benign, uncertain, and likely pathogenic (Variation ID: 43012). Of note, this variant has been interpreted as likely benign by the ClinGen inherited cardiomyopathy variant curation expert panel, which is an FDA recognized database. The Lys1459 residue lies in the conserved myosin tail domain, and three in silico prediction programs (SIFT, Mutation-Taster, and PolyPhen2) predict the p.Lys1459Asn substitution to be “deleterious”. This variant has been reported at a frequency of ~0.05% in individuals of European (Non Finnish) origin in a large population database (gnomAD), which is likely too common to be a primary cause of cardiomyopathy (Kelly et al. 2018. PubMed ID: 29300372). In the context of cardiomyopathy, we consider this variant to be likely benign; however, in the context of autosomal recessive myosin storage myopathy we consider this variant to be of uncertain clinical significance.

GeneDx
Classification: Uncertain significance. Last evaluated: 2026-01-07. Review status: criteria provided, single submitter. Criteria: GeneDx Variant Classification Process June 2021. Collection method: clinical testing. Allele origin: germline. Affected: yes. Not counted in ClinVar's aggregate classification.
Comment: In silico analysis supports that this missense variant has a deleterious effect on protein structure/function; This variant is associated with the following publications: (PMID: 25467552, 21127202, 19150014, 15358028, 22958901, 17125710, 24793961, 26654849, 22765922, 25342278, 23299917, 28381408, 25637381, 24093860, 23074333, 23794396, 27247418, 29181379, 15757018, 29300372, 30871747, 31006259, 31737537, 30847666, 33297573, 34542152, 31847883, 32894683, 24714796, 28356264, 37466024, 37937776, 37652022, 28912206, 38456273)

Color Diagnostics, LLC DBA Color Health
Classification: Likely benign for Cardiomyopathy. Last evaluated: 2025-11-05. Review status: criteria provided, single submitter. Criteria: ACMG Guidelines, 2015. Collection method: clinical testing. Allele origin: germline. Not counted in ClinVar's aggregate classification.

Women's Health and Genetics/Laboratory Corporation of America, LabCorp
Classification: Uncertain significance. Last evaluated: 2025-10-21. Review status: criteria provided, single submitter. Criteria: LabCorp Variant Classification Summary - May 2015. Collection method: clinical testing. Allele origin: germline. Not counted in ClinVar's aggregate classification.
Comment: Variant summary: MYH7 c.4377G>T (p.Lys1459Asn) results in a non-conservative amino acid change located in the Myosin tail domain (IPR002928) of the encoded protein sequence. Algorithms developed to predict the effect of missense changes on protein structure and function all suggest that this variant is likely to be disruptive. The variant allele was found at a frequency of 0.0003 in 251252 control chromosomes, predominantly at a frequency of 0.00055 within the Non-Finnish European subpopulation in the gnomAD database. This frequency is not significantly higher than estimated for disease-causing variants in MYH7, allowing no conclusion about variant significance. c.4377G>T has been reported in the literature in multiple individuals affected with cardiomyopathy, including those affected with hypertrophic cardiomyopathy (VanDriest_2004, Laredo_2006, Gomez_2017, vanLint_2019), dilated cardiomyopathy (Sousa_2019), long QT syndrome (Quenin_2017), and an individual with an Ebstein anomaly (Postma_2011). These report(s) do not provide unequivocal conclusions about association of the variant with Cardiomyopathy. To our knowledge, no experimental evidence demonstrating an impact on protein function has been reported. The following publications have been ascertained in the context of this evaluation (PMID: 28356264, 29300372, 17125710, 31006259, 21127202, 28912206, 30871747, 15358028, 30847666). ClinVar contains an entry for this variant (Variation ID: 43012). Based on the evidence outlined above, the variant was classified as VUS-possibly benign.

Labcorp Genetics (formerly Invitae), Labcorp
Classification: Uncertain significance for Hypertrophic cardiomyopathy. Last evaluated: 2025-01-31. Review status: criteria provided, single submitter. Criteria: Invitae Variant Classification Sherloc (09022015). Collection method: clinical testing. Allele origin: germline. Not counted in ClinVar's aggregate classification.
Comment: This sequence change replaces lysine, which is basic and polar, with asparagine, which is neutral and polar, at codon 1459 of the MYH7 protein (p.Lys1459Asn). This variant is present in population databases (rs201307101, gnomAD 0.05%). This missense change has been observed in individual(s) with hypertrophic cardiomyopathy (PMID: 17125710, 19150014, 21127202, 22765922, 23794396, 24793961, 28356264, 30871747, 33297573, 37466024, 37937776). ClinVar contains an entry for this variant (Variation ID: 43012). Invitae Evidence Modeling of protein sequence and biophysical properties (such as structural, functional, and spatial information, amino acid conservation, physicochemical variation, residue mobility, and thermodynamic stability) indicates that this missense variant is expected to disrupt MYH7 protein function with a positive predictive value of 95%. In summary, the available evidence is currently insufficient to determine the role of this variant in disease. Therefore, it has been classified as a Variant of Uncertain Significance.

Mayo Clinic Laboratories, Mayo Clinic
Classification: Likely benign. Last evaluated: 2024-12-26. Review status: criteria provided, single submitter. Criteria: ACMG Guidelines, 2015. Collection method: clinical testing. Allele origin: germline. Observed: 3 variant alleles. Not counted in ClinVar's aggregate classification.
Comment: BS1, BP5